The following is an entry in ClinVar:

NM_000173.7(GP1BA):c.256C>T (p.Leu86Phe)

Gene: GP1BA (glycoprotein Ib platelet subunit alpha; plus strand). Cytogenetic location: 17p13.2.
Variant type: single nucleotide variant.
Coding change: c.256C>T on transcript NM_000173.7 (MANE Select); coding-DNA position 256, C replaced by T.
Protein change: p.Leu86Phe; replaces leucine 86 with phenylalanine.
Molecular consequence: missense variant.
Genome position (GRCh38, 1-based): chr17:4,932,860, C>T. VCF-style: chr17-4932860-C-T. GRCh37 (hg19) VCF-style: chr17-4836155-C-T.
Other names: NM_000173.7(GP1BA):c.256C>T; p.Leu86Phe; short protein forms L86F.
Identifiers: ClinVar variation 417940 (VCV000417940.11), dbSNP rs13306411, ClinGen allele CA8314729.

ClinVar aggregate classification (germline): Benign. Review status: reviewed by expert panel (3 of 4 stars). 5 submissions from 5 submitters: Benign (1). 4 of the submissions do not count toward it. Last evaluated 2025-02-11.

Conditions:
Bernard Soulier syndrome (BSS). Also called: BLEEDING DISORDER, PLATELET-TYPE, 1; PLATELET GLYCOPROTEIN Ib DEFICIENCY; VON WILLEBRAND FACTOR RECEPTOR DEFICIENCY; GLYCOPROTEIN Ib, PLATELET, DEFICIENCY OF; Giant platelet syndrome; Hemorrhagiparous thrombocytic dystrophy. Identifiers: Orphanet 274, MedGen C0005129, MeSH D001606, MONDO:0009276, OMIM 231200.
Bernard-Soulier syndrome, type A2, autosomal dominant (BSSA2). Also called: Bernard-Soulier syndrome, type A2 (dominant). Identifiers: Orphanet 274, MedGen C3277076, MONDO:0007930, OMIM 153670.
Nonarteritic anterior ischemic optic neuropathy, susceptibility to (NAION). Also called: NAION, SUSCEPTIBILITY TO; OPTIC NEUROPATHY, ANTERIOR ISCHEMIC, SUSCEPTIBILITY TO. Identifiers: MedGen C1847711, MONDO:0009789, OMIM 258660.
Pseudo von Willebrand disease (VWDP). Also called: BLEEDING DISORDER, PLATELET-TYPE, 3; Platelet-type von Willebrand disease. Identifiers: Orphanet 52530, MedGen C1280798, MONDO:0008332, OMIM 177820.
GP1BA-related disorder. Also called: GP1BA-related condition.

Allele frequency attached by ClinVar (database versions not stated): gnomAD 0.00007 and 0.00031; TOPMed 0.00008; gnomAD exomes 0.00024 and 0.00061; ExAC 0.00031; 1000 Genomes Project 30x 0.00141; 1000 Genomes Project 0.00200.

Submissions (5):

ClinGen Platelet Disorders Variant Curation Expert Panel, ClinGen
Classification: Benign for Bernard Soulier syndrome. Last evaluated: 2025-02-11. Review status: reviewed by expert panel. Criteria: ClinGen Platelet ACMG Specifications GP1BA V1.0.0. Collection method: curation. Allele origin: germline. Inheritance: Autosomal recessive inheritance.
Comment: The missense variant NM_000173.7(GP1BA):c.256C>T (p.Leu86Phe) occurs at a Grpmax Filtering allele frequency in gnomAD v4.1 of 0.01894 (based on 899/44894 alleles) in the East Asian population, (>0.001; BA1). And the computational predictor REVEL gives a score of 0.182, which predicts no damaging effect (<0.290; BP4). In summary, this variant meets the criteria to be classified as Benign for autosomal recessive Bernard-Soulier syndrome based on the ACMG/AMP criteria applied, as specified by the ClinGen PD VCEP: BA1, BP4 (ClinGen Platelet Disorders VCEP specifications version 1).

Women's Health and Genetics/Laboratory Corporation of America, LabCorp
Classification: Benign. Last evaluated: 2023-10-31. Review status: criteria provided, single submitter. Criteria: LabCorp Variant Classification Summary - May 2015. Collection method: clinical testing. Allele origin: germline. Not counted in ClinVar's aggregate classification.
Comment: Variant summary: GP1BA c.256C>T (p.Leu86Phe) results in a non-conservative amino acid change in the encoded protein sequence. Three of five in-silico tools predict a damaging effect of the variant on protein function. The variant allele was found at a frequency of 0.00024 in 249204 control chromosomes, predominantly at a frequency of 0.0033 within the East Asian subpopulation in the gnomAD database. The observed variant frequency within East Asian control individuals in the gnomAD database is approximately 6-fold of the estimated maximal expected allele frequency for a pathogenic variant in GP1BA causing Bernard Soulier Syndrome phenotype (0.00059). Moreover, the variant has been reported at a frequency of 0.040 including 93 homozygotes in the ToMMo 54KJPN dataset of Japanese control individuals. These data strongly suggest that the variant is a benign polymorphism found primarily in populations of East Asian origin, and more specifically, in individuals of Japanese ancestry. To our knowledge, no occurrence of c.256C>T in individuals affected with Bernard Soulier Syndrome have been reported. Two submitters have cited clinical-significance assessments for this variant to ClinVar after 2014. One submitter classified the variant as likely benign, and one submitter classified the variant as uncertain significance. Based on the evidence outlined above, the variant was classified as benign.

Genetic Services Laboratory, University of Chicago
Classification: Likely benign. Last evaluated: 2017-06-12. Review status: criteria provided, single submitter. Criteria: ACMG Guidelines, 2015. Collection method: clinical testing. Allele origin: germline. Affected: no. Not counted in ClinVar's aggregate classification.

PreventionGenetics, part of Exact Sciences
Classification: Likely benign for GP1BA-related condition. Last evaluated: 2023-12-21. Review status: no assertion criteria provided. Collection method: clinical testing. Allele origin: germline. Not counted in ClinVar's aggregate classification.
Comment: This variant is classified as likely benign based on ACMG/AMP sequence variant interpretation guidelines (Richards et al. 2015 PMID: 25741868, with internal and published modifications).

Division of Human Genetics, Children's Hospital of Philadelphia
Classification: Uncertain significance for Nonarteritic anterior ischemic optic neuropathy, susceptibility to; Bernard-Soulier syndrome, type A2, autosomal dominant; Bernard Soulier syndrome; Pseudo von Willebrand disease. Last evaluated: 2015-12-18. Review status: no assertion criteria provided. Collection method: research. Allele origin: paternal. Affected: yes. Study: CSER-PediSeq. Not counted in ClinVar's aggregate classification.

Literature cited by the submitters: PubMed 12038791 (cited by Women's Health and Genetics/Laboratory Corporation of America, LabCorp); PubMed 18492106 (cited by Women's Health and Genetics/Laboratory Corporation of America, LabCorp).